The following is an entry in ClinVar:

ClinVar aggregate classification (germline): Pathogenic (0 of 4 stars; one submission).

Conditions:
Radial aplasia-thrombocytopenia syndrome (TAR). Also called: Thrombocytopenia Absent Radius Syndrome; TAR syndrome. Identifiers: Orphanet 3320, MedGen C0175703, MeSH C536940, MONDO:0010121, OMIM 274000.

Submission:

GeneReviews
Classification: Pathogenic for Thrombocytopenia Absent Radius Syndrome. Last evaluated: 2012-02-02. Review status: no assertion criteria provided. Collection method: curation. Allele origin: unknown.
ClinVar note: Converted during submission from pathologic to Pathogenic.

NC_000001.10:g.(?_145413072)_(145592772_145596903)del

Genes: RBM8A (RNA binding motif protein 8A; minus strand), TXNIP (thioredoxin interacting protein; minus strand), POLR3GL (RNA polymerase III subunit GL; plus strand), PIAS3 (protein inhibitor of activated STAT 3; minus strand), POLR3C (RNA polymerase III subunit C; plus strand) and 7 more. Cytogenetic location: 1q21.1.
Variant type: Deletion.
Other names: 200-kb minimally deleted region at 1q21.1 that includes RBM8A.
Identifiers: ClinVar variation 40975 (VCV000040975.3).